The following is an entry in ClinVar:

ClinVar aggregate classification (germline): Pathogenic (1 of 4 stars; one submission).

Conditions:
Classic homocystinuria. Also called: HOMOCYSTINURIA WITH OR WITHOUT RESPONSE TO PYRIDOXINE; Homocystinuria due to CBS deficiency; Cystathionine beta-synthase deficiency; CBS deficiency; Homocystinuria due to Cystathionine Beta-Synthase Deficiency. Identifiers: Orphanet 394, MedGen C0751202, MONDO:0009352, OMIM 236200.

Submission:

Myriad Genetics, Inc.
Classification: Pathogenic for Classic homocystinuria. Last evaluated: 2025-05-18. Review status: criteria provided, single submitter. Criteria: Myriad Autosomal Dominant, Autosomal Recessive and X-Linked Classification Criteria (2023). Collection method: clinical testing. Allele origin: unknown.
Comment: NM_000071.2(CBS):c.669C>A(Y223*) is expected to be pathogenic in the context of homocystinuria, CBS-related. This variant is predicted to lead to an abnormal or absent protein product due to the creation of a premature termination codon in CBS, a gene where loss-of-function variants are known to be pathogenic. Please note: this variant was assessed in the context of healthy population screening.

NM_000071.3(CBS):c.669C>A (p.Tyr223Ter)

Gene: CBS (cystathionine beta-synthase; minus strand). Cytogenetic location: 21q22.3.
Variant type: single nucleotide variant.
Coding change: c.669C>A on transcript NM_000071.3 (MANE Select); coding-DNA position 669, C replaced by A.
Protein change: p.Tyr223Ter; replaces tyrosine 223 with a stop codon.
Molecular consequence: nonsense.
Genome position (GRCh38, 1-based): chr21:43,065,270, G>T on the plus strand (C>A on the coding strand, the complement: CBS is on the minus strand). VCF-style: chr21-43065270-G-T. GRCh37 (hg19) VCF-style: chr21-44485380-G-T.
Other names: c.669C>A, p.Tyr223Ter (NM_001178008.3, NM_001178009.3, NM_001320298.2); c.354C>A, p.Tyr118Ter (NM_001321072.1); short protein forms Y118*, Y223*.
Identifiers: ClinVar variation 5014471 (VCV005014471.1).